The following is an entry in ClinVar:

NM_001927.4(DES):c.735+3A>G

Gene: DES (desmin; plus strand). Cytogenetic location: 2q35.
Variant type: single nucleotide variant.
Coding change: c.735+3A>G on transcript NM_001927.4 (MANE Select); 3 bases into the intron after coding-DNA position 735, A replaced by G.
Molecular consequence: intron variant.
Genome position (GRCh38, 1-based): chr2:219,420,349, A>G. VCF-style: chr2-219420349-A-G. GRCh37 (hg19) VCF-style: chr2-220285071-A-G.
Other names: IVS3, A-G, +3; c.735+3A>G (NM_001382712.1, NM_001382711.1, NM_001382710.1 and 1 more transcripts); c.732+3A>G (NM_001382708.1); c.496-176A>G (NM_001382713.1).
Identifiers: ClinVar variation 66419 (VCV000066419.27), dbSNP rs267607483, ClinGen allele CA217084.

ClinVar aggregate classification (germline): Pathogenic. Review status: criteria provided, multiple submitters, no conflicts (2 of 4 stars). 8 submissions from 8 submitters: Pathogenic (6). 2 of the submissions do not count toward it. Last evaluated 2025-12-03.

Conditions:
Desmin-related myofibrillar myopathy (MFM1). Also called: Desminopathy; MYOFIBRILLAR MYOPATHY WITH ARRHYTHMOGENIC RIGHT VENTRICULAR CARDIOMYOPATHY; DESMIN-RELATED MYOPATHY WITH ARRHYTHMOGENIC RIGHT VENTRICULAR CARDIOMYOPATHY; Myofibrillar myopathy 1; Desmin related myopathy (former name); Desmin storage myopathy (former name). Identifiers: Orphanet 363543, Orphanet 98909, MedGen C1832370, MONDO:0011076, OMIM 601419.
Primary dilated cardiomyopathy (DCM). Also called: Dilated Cardiomyopathy. Identifiers: Orphanet 217604, MedGen C0007193, MeSH D002311, MONDO:0005021, HP:0001644. Inheritance: Various modes of inheritance.
DES-related disorders.
Cardiovascular phenotype. Identifiers: MedGen CN230736.

Submissions (8):

Labcorp Genetics (formerly Invitae), Labcorp
Classification: Pathogenic for Desmin-related myofibrillar myopathy. Last evaluated: 2025-12-03. Review status: criteria provided, single submitter. Criteria: Invitae Variant Classification Sherloc (09022015). Collection method: clinical testing. Allele origin: germline.
Comment: This sequence change falls in intron 3 of the DES gene. It does not directly change the encoded amino acid sequence of the DES protein. It affects a nucleotide within the consensus splice site. This variant is not present in population databases (gnomAD no frequency). This variant has been observed in individual(s) with DES-related conditions (PMID: 10717012, 23155419, 24503780, 27532257). In at least one individual the variant was observed to be de novo. It has also been observed to segregate with disease in related individuals. This variant is also known as IVS3+3A>G. ClinVar contains an entry for this variant (Variation ID: 66419). Variants that disrupt the consensus splice site are a relatively common cause of aberrant splicing (PMID: 17576681, 9536098). Algorithms developed to predict the effect of sequence changes on RNA splicing suggest that this variant may disrupt the consensus splice site. For these reasons, this variant has been classified as Pathogenic.

Ambry Genetics
Classification: Pathogenic for Cardiovascular phenotype. Last evaluated: 2025-03-10. Review status: criteria provided, single submitter. Criteria: Ambry Variant Classification Scheme 2023. Collection method: clinical testing. Allele origin: germline.
Comment: The c.735+3A>G intronic pathogenic mutation results from an A to G substitution 3 nucleotides after coding exon 3 in the DES gene. This variant (also reported as IVS3+3A>G) has been reported in individuals and families with desminopathy-related disease, whose findings have included cardiac arrhythmias, conduction defects, cardiomyopathies, and skeletal myopathies (Dalakas MC et al. N Engl J Med, 2000 Mar;342:770-80; Park KY et al. J Med Genet, 2000 Nov;37:851-7; McDonald KK et al. PLoS One, 2012 Nov;7:e48864; Pugh TJ et al. Genet Med, 2014 Aug;16:601-8; Stpie-Wojno M et al. Ann Noninvasive Electrocardiol, 2020 07;25:e12707). This mutation was found to occur as de novo in one of these families, and in another it showed segregation in affected family members (Park KY et al. J Med Genet, 2000 Nov;37:851-7; McDonald KK et al. PLoS One, 2012 Nov;7:e48864). RNA and immunofluorescence studies confirmed the deletion of exon 3 due to loss of the native splice donor site (Dalakas MC et al. N Engl J Med, 2000 Mar;342:770-80; Park KY et al. J Med Genet, 2000 Nov;37:851-7). This nucleotide position is well conserved in available vertebrate species. In silico splice site analysis predicts that this alteration may result in the creation or strengthening of a novel splice donor site. This variant is considered to be rare based on population cohorts in the Genome Aggregation Database (gnomAD). Based on the supporting evidence, this alteration is interpreted as a disease-causing mutation.

Blueprint Genetics
Classification: Pathogenic for DES-related disorders. Last evaluated: 2023-04-28. Review status: criteria provided, single submitter. Criteria: ACMG Guidelines, 2015. Collection method: clinical testing. Allele origin: germline. Affected: yes. Observed: 1 variant allele.

Eurofins Ntd Llc (ga)
Classification: Pathogenic. Last evaluated: 2017-10-23. Review status: criteria provided, single submitter. Criteria: EGL Classification Definitions 2015. Collection method: clinical testing. Allele origin: germline. Observed: 3 variant alleles, 3 heterozygotes.

GeneDx
Classification: Pathogenic. Last evaluated: 2017-10-19. Review status: criteria provided, single submitter. Criteria: GeneDx Variant Classification (06012015). Collection method: clinical testing. Allele origin: germline. Affected: yes.
Comment: The c.735+3 A>G pathogenic variant in DES has been reported previously in the literature in association with desmin-related myopathy, cardiomyopathy, and limb-girdle muscular dytrophy (Dalakas et al., 2000; McDonald et al., 2012; Pugh et al., 2014; Walsh et al., 2017). In addition, McDonald et al. (2012) reported this variant to segregate with disease in a family who underwent whole exome sequencing for suspected limb-girdle muscular dystrophy. Five of the individuals in this family who harbored the c.735+3 A>G variant had cardiac involvement. In silico splice prediction programs predict this variant destroys or reduces the efficiency of the splice donor site in intron 3 and mRNA studies demonstrated that this variant results in the deletion of exon 3 (Dalakas et al., 2000). Other splice site variants, including one impacting the same splice donor site (c.735+1 G>A), have been reported in the DES gene in association with DES-related disorders (Stenson et al., 2014). Furthermore, the c.735+3 A>G variant is not observed in large population cohorts (Lek et al., 2016).

Laboratory for Molecular Medicine, Mass General Brigham Personalized Medicine
Classification: Pathogenic for Primary dilated cardiomyopathy; Desmin-related myofibrillar myopathy. Last evaluated: 2014-10-10. Review status: criteria provided, single submitter. Criteria: LMM Criteria. Collection method: clinical testing. Allele origin: germline. Observed: 4 variant alleles.
Comment: The 735+3A>G variant in DES has been reported in 6 individuals with desmin myopa thy or limb-girdle muscular dystrophy with 1 de novo occurrence and was found t o segregate with disease in 9 affected individuals from 2 families (Park 2000, D alakas 2000, Wahni 2012, Greenberg 2012 , McDonald 2012, Gudkova 2013, LMM unpub lished data). This variant was absent from large population studies. The 735+3A> G variant is located in the 5' splice region. In vitro splicing studies indicate that this variant may result in the skipping of exon 3, resulting in an in-fram e deletion of 32 amino acids (Park 2000). Additional functional studies indicate this variant leads to abnormal aggregation of desmin fibers (Dalakas 2000, Park 2000). However, these types of assays may not accurately represent biological f unction. In summary, this variant meets our criteria to be classified as pathoge nic for desminopathy in an autosomal dominant manner (rsonalizedmedicine/LMM) based upon de novo occurrence, segregation studies, abse nce from controls, and functional evidence.

OMIM
Classification: Pathogenic for MYOPATHY, MYOFIBRILLAR, 1. Last evaluated: 2012-01-01. Review status: no assertion criteria provided. Collection method: literature only. Allele origin: germline. Not counted in ClinVar's aggregate classification.

Epithelial Biology;  Institute of Medical Biology, Singapore
No classification provided. Review status: no classification provided. Collection method: not provided. Allele origin: not provided. Not counted in ClinVar's aggregate classification.

Literature cited by the submitters: PubMed 10717012 (cited by 4 submitters); PubMed 23155419 (cited by 4 submitters); PubMed 24503780 (cited by Labcorp Genetics (formerly Invitae), Labcorp and Ambry Genetics); PubMed 27532257 (cited by Labcorp Genetics (formerly Invitae), Labcorp and Ambry Genetics); PubMed 17576681 (cited by Labcorp Genetics (formerly Invitae), Labcorp); PubMed 9536098 (cited by Labcorp Genetics (formerly Invitae), Labcorp); PubMed 11073539 (cited by 4 submitters); PubMed 31609036 (cited by Ambry Genetics); PubMed 14724127 (cited by Laboratory for Molecular Medicine, Mass General Brigham Personalized Medicine); PubMed 22484823 (cited by Laboratory for Molecular Medicine, Mass General Brigham Personalized Medicine); PubMed 22153487 (cited by Laboratory for Molecular Medicine, Mass General Brigham Personalized Medicine); PubMed 22275259 (cited by Laboratory for Molecular Medicine, Mass General Brigham Personalized Medicine and OMIM); PubMed 9382102 (cited by OMIM).